The following is an entry in ClinVar:

NM_031296.3(RAB33B):c.448T>C (p.Cys150Arg)

Gene: RAB33B (RAB33B, member RAS oncogene family; plus strand). Cytogenetic location: 4q31.1.
Variant type: single nucleotide variant.
Coding change: c.448T>C on transcript NM_031296.3 (MANE Select); coding-DNA position 448, T replaced by C.
Protein change: p.Cys150Arg; replaces cysteine 150 with arginine.
Molecular consequence: missense variant.
Genome position (GRCh38, 1-based): chr4:139,472,884, T>C. VCF-style: chr4-139472884-T-C. GRCh37 (hg19) VCF-style: chr4-140394038-T-C.
Other names: short protein forms C150R.
Identifiers: ClinVar variation 4798957 (VCV004798957.1).

ClinVar aggregate classification (germline): Uncertain significance (1 of 4 stars; one submission).

gnomAD v4.1: 9 of 1,614,056 alleles (0.00056%); highest among the groups gnomAD compares: Admixed American, 0.0017%; no homozygotes.

Submission:

Labcorp Genetics (formerly Invitae), Labcorp
Classification: Uncertain significance. Last evaluated: 2025-03-12. Review status: criteria provided, single submitter. Criteria: Invitae Variant Classification Sherloc (09022015). Collection method: clinical testing. Allele origin: germline.
Comment: This sequence change replaces cysteine, which is neutral and slightly polar, with arginine, which is basic and polar, at codon 150 of the RAB33B protein (p.Cys150Arg). This variant is present in population databases (no rsID available, gnomAD 0.0009%). This variant has not been reported in the literature in individuals affected with RAB33B-related conditions. An algorithm developed to predict the effect of missense changes on protein structure and function (PolyPhen-2) suggests that this variant is likely to be disruptive. In summary, the available evidence is currently insufficient to determine the role of this variant in disease. Therefore, it has been classified as a Variant of Uncertain Significance.